The following is an entry in ClinVar:

ClinVar aggregate classification (germline): Uncertain significance (1 of 4 stars; one submission).

Conditions:
Gastrointestinal stromal tumor. Also called: Gastrointestinal stroma tumor; Gastrointestinal stromal tumor, somatic. Identifiers: Orphanet 44890, MedGen C0238198, MeSH D046152, MONDO:0011719, OMIM 606764, HP:0100723.

Allele frequency attached by ClinVar (database versions not stated): TOPMed 0.00001.

Submission:

Labcorp Genetics (formerly Invitae), Labcorp
Classification: Uncertain significance for Gastrointestinal stromal tumor. Last evaluated: 2022-02-07. Review status: criteria provided, single submitter. Criteria: Invitae Variant Classification Sherloc (09022015). Collection method: clinical testing. Allele origin: germline.
Comment: In summary, the available evidence is currently insufficient to determine the role of this variant in disease. Therefore, it has been classified as a Variant of Uncertain Significance. Algorithms developed to predict the effect of missense changes on protein structure and function (SIFT, PolyPhen-2, Align-GVGD) all suggest that this variant is likely to be disruptive. This variant has not been reported in the literature in individuals affected with KIT-related conditions. This variant is not present in population databases (gnomAD no frequency). This sequence change replaces proline, which is neutral and non-polar, with serine, which is neutral and polar, at codon 157 of the KIT protein (p.Pro157Ser).

NM_000222.3(KIT):c.469C>T (p.Pro157Ser)

Gene: KIT (KIT proto-oncogene, receptor tyrosine kinase; plus strand). Cytogenetic location: 4q12.
Variant type: single nucleotide variant.
Coding change: c.469C>T on transcript NM_000222.3 (MANE Select); coding-DNA position 469, C replaced by T.
Protein change: p.Pro157Ser; replaces proline 157 with serine.
Molecular consequence: missense variant.
Genome position (GRCh38, 1-based): chr4:54,698,415, C>T. VCF-style: chr4-54698415-C-T. GRCh37 (hg19) VCF-style: chr4-55564581-C-T.
Other names: c.469C>T, p.Pro157Ser (NM_001093772.2, NM_001385284.1, NM_001385285.1 and 4 more transcripts); short protein forms P157S.
Identifiers: ClinVar variation 2094373 (VCV002094373.4), dbSNP rs1276125047, ClinGen allele CA356897651.